The following is an entry in ClinVar:

ClinVar aggregate classification (germline): Likely pathogenic (1 of 4 stars; one submission).

Submission:

GeneDx
Classification: Likely pathogenic. Last evaluated: 2025-07-03. Review status: criteria provided, single submitter. Criteria: GeneDx Variant Classification Process June 2021. Collection method: clinical testing. Allele origin: germline. Affected: yes.
Comment: Nonsense variant predicted to result in protein truncation, as the last 119 amino acids are lost, and other loss-of-function variants have been reported downstream in HGMD; Not observed at significant frequency in large population cohorts (gnomAD); This variant is associated with the following publications: (PMID: 25866162, 35431446)

NM_000875.5(IGF1R):c.3746G>A (p.Trp1249Ter)

Gene: IGF1R (insulin like growth factor 1 receptor; plus strand). Cytogenetic location: 15q26.3.
Variant type: single nucleotide variant.
Coding change: c.3746G>A on transcript NM_000875.5 (MANE Select); coding-DNA position 3746, G replaced by A.
Protein change: p.Trp1249Ter; replaces tryptophan 1249 with a stop codon.
Molecular consequence: nonsense.
Genome position (GRCh38, 1-based): chr15:98,957,084, G>A. VCF-style: chr15-98957084-G-A. GRCh37 (hg19) VCF-style: chr15-99500313-G-A.
Other names: c.3743G>A, p.Trp1248Ter (NM_001291858.2); short protein forms W1248*, W1249*.
Identifiers: ClinVar variation 4680868 (VCV004680868.1).